The following is an entry in ClinVar:

NM_001134363.3(RBM20):c.2790A>C (p.Glu930Asp)

Gene: RBM20 (RNA binding motif protein 20; plus strand). Cytogenetic location: 10q25.2.
Variant type: single nucleotide variant.
Coding change: c.2790A>C on transcript NM_001134363.3 (MANE Select); coding-DNA position 2790, A replaced by C.
Protein change: p.Glu930Asp; replaces glutamic acid 930 with aspartic acid.
Molecular consequence: missense variant.
Genome position (GRCh38, 1-based): chr10:110,821,409, A>C. VCF-style: chr10-110821409-A-C. GRCh37 (hg19) VCF-style: chr10-112581167-A-C.
Other names: short protein forms E930D.
Identifiers: ClinVar variation 4151586 (VCV004151586.1).

ClinVar aggregate classification (germline): Uncertain significance (1 of 4 stars; one submission).

Conditions:
Cardiovascular phenotype. Identifiers: MedGen CN230736.

Submission:

Ambry Genetics
Classification: Uncertain significance for Cardiovascular phenotype. Last evaluated: 2025-06-22. Review status: criteria provided, single submitter. Criteria: Ambry Variant Classification Scheme 2023. Collection method: clinical testing. Allele origin: germline.
Comment: The p.E930D variant (also known as c.2790A>C), located in coding exon 11 of the RBM20 gene, results from an A to C substitution at nucleotide position 2790. The glutamic acid at codon 930 is replaced by aspartic acid, an amino acid with highly similar properties. This amino acid position is conserved. In addition, this alteration is predicted to be tolerated by in silico analysis. Based on the available evidence, the clinical significance of this variant remains unclear.